The following is an entry in ClinVar:

NM_198253.3(TERT):c.1469A>G (p.Asn490Ser)

Gene: TERT (telomerase reverse transcriptase; minus strand). Cytogenetic location: 5p15.33.
Variant type: single nucleotide variant.
Coding change: c.1469A>G on transcript NM_198253.3 (MANE Select); coding-DNA position 1469, A replaced by G.
Protein change: p.Asn490Ser; replaces asparagine 490 with serine.
Molecular consequence: missense variant. On other transcripts: non-coding transcript variant (2).
Genome position (GRCh38, 1-based): chr5:1,293,417, T>C on the plus strand (A>G on the coding strand, the complement: TERT is on the minus strand). VCF-style: chr5-1293417-T-C. GRCh37 (hg19) VCF-style: chr5-1293532-T-C.
Other names: c.1469A>G, p.Asn490Ser (NM_001193376.3, NM_003219.1); short protein forms N490S.
Identifiers: ClinVar variation 3240584 (VCV003240584.3), dbSNP rs566842222.
Genomic context (GRCh38, chr5:1,293,417, plus strand): 5'-CACGTCAGCTCCTGCAGCGAGAGCTTGGCATGCTTCCCCAGGGAGATGAACTTCTTGGTG[T>C]TCCTGAGGAAGCGGCGTTCGTTGTGCCTGGAGCCCCAGAGGCCTGGGGGCACCAGCCGGC-3'
Protein context (NP_937983.2, residues 480-500): SRHNERRFLR[Asn490Ser]TKKFISLGKH

ClinVar aggregate classification (germline): Uncertain significance. Review status: criteria provided, multiple submitters, no conflicts (2 of 4 stars). 3 submissions from 3 submitters: Uncertain significance (3). Last evaluated 2025-06-15.

Conditions:
Dyskeratosis congenita. Identifiers: Orphanet 1775, MedGen C0265965, MONDO:0015780.
Dyskeratosis congenita, autosomal dominant 2. Identifiers: MedGen C3151443, MONDO:0013521, OMIM 613989.
Idiopathic Pulmonary Fibrosis. Also called: Idiopathic fibrosing alveolitis, chronic form; idiopathic fibrosing alveolitis. Identifiers: Orphanet 2032, MedGen C1800706, MeSH D054990, MONDO:0800504.

Allele frequency attached by ClinVar (database versions not stated): gnomAD exomes below 0.00001; ExAC 0.00001; gnomAD 0.00001; 1000 Genomes Project 30x 0.00016; 1000 Genomes Project 0.00020.
gnomAD v4.1: 2 of 1,613,108 alleles (0.00012%); highest among the groups gnomAD compares: African/African-American, 0.0013%; no homozygotes.

Submissions (3):

Labcorp Genetics (formerly Invitae), Labcorp
Classification: Uncertain significance for Dyskeratosis congenita, autosomal dominant 2; Idiopathic Pulmonary Fibrosis. Last evaluated: 2025-06-15. Review status: criteria provided, single submitter. Criteria: Invitae Variant Classification Sherloc (09022015). Collection method: clinical testing. Allele origin: germline.
Comment: This sequence change replaces asparagine, which is neutral and polar, with serine, which is neutral and polar, at codon 490 of the TERT protein (p.Asn490Ser). This variant is present in population databases (rs566842222, gnomAD 0.007%). This variant has not been reported in the literature in individuals affected with TERT-related conditions. ClinVar contains an entry for this variant (Variation ID: 3240584). Invitae Evidence Modeling of protein sequence and biophysical properties (such as structural, functional, and spatial information, amino acid conservation, physicochemical variation, residue mobility, and thermodynamic stability) has been performed for this missense variant. However, the output from this modeling did not meet the statistical confidence thresholds required to predict the impact of this variant on TERT protein function. In summary, the available evidence is currently insufficient to determine the role of this variant in disease. Therefore, it has been classified as a Variant of Uncertain Significance.

Ambry Genetics
Classification: Uncertain significance for Dyskeratosis congenita. Last evaluated: 2025-03-20. Review status: criteria provided, single submitter. Criteria: Ambry Variant Classification Scheme 2023. Collection method: clinical testing. Allele origin: germline.
Comment: The p.N490S variant (also known as c.1469A>G), located in coding exon 2 of the TERT gene, results from an A to G substitution at nucleotide position 1469. The asparagine at codon 490 is replaced by serine, an amino acid with highly similar properties. This amino acid position is conserved. In addition, this alteration is predicted to be tolerated by in silico analysis. Based on the available evidence, the clinical significance of this variant remains unclear.

Baylor Genetics
Classification: Uncertain significance for Dyskeratosis congenita, autosomal dominant 2. Last evaluated: 2023-12-26. Review status: criteria provided, single submitter. Criteria: ACMG Guidelines, 2015. Collection method: clinical testing. Allele origin: unknown.